The following is an entry in ClinVar:

NM_152564.5(VPS13B):c.11364del (p.Ala3789fs)

Gene: VPS13B (vacuolar protein sorting 13 homolog B; plus strand). Cytogenetic location: 8q22.2.
Variant type: Deletion.
Coding change: c.11364del on transcript NM_152564.5 (MANE Select); coding-DNA position 11364, one base deleted (T; older notation c.11364delT).
Protein change: p.Ala3789fs; shifts the reading frame from alanine 3789.
Molecular consequence: frameshift variant.
Genome position (GRCh38, 1-based): chr8:99,868,437, T deleted. VCF-style (leftmost placement, unchanged base first): chr8-99868436-CT-C. GRCh37 (hg19) VCF-style: chr8-100880664-CT-C.
Other names: c.11439del, p.Ala3814fs (NM_017890.5); short protein forms A3814fs, A3789fs.
Identifiers: ClinVar variation 864213 (VCV000864213.8), dbSNP rs1485428182, ClinGen allele CA857608643.

ClinVar aggregate classification (germline): Pathogenic (1 of 4 stars; one submission).

Conditions:
Cohen syndrome (COH1). Also called: PEPPER SYNDROME; Cutis verticis gyrata, retinitis pigmentosa, and sensorineural deafness. Identifiers: Orphanet 193, MedGen C0265223, MONDO:0008999, OMIM 216550.

Allele frequency attached by ClinVar (database versions not stated): TOPMed below 0.00001; gnomAD 0.00001; gnomAD exomes 0.00001.

Submission:

Labcorp Genetics (formerly Invitae), Labcorp
Classification: Pathogenic for Cohen syndrome. Last evaluated: 2021-02-02. Review status: criteria provided, single submitter. Criteria: Invitae Variant Classification Sherloc (09022015). Collection method: clinical testing. Allele origin: germline.
Comment: This variant has not been reported in the literature in individuals with VPS13B-related conditions. ClinVar contains an entry for this variant (Variation ID: 864213). For these reasons, this variant has been classified as Pathogenic. This variant is not present in population databases (ExAC no frequency). This sequence change creates a premature translational stop signal (p.Ala3814Leufs*64) in the VPS13B gene. It is expected to result in an absent or disrupted protein product. Loss-of-function variants in VPS13B are known to be pathogenic (PMID: 15141358, 16648375, 20461111).

Literature cited by the submitters: PubMed 15141358; PubMed 16648375; PubMed 20461111.